The following is an entry in ClinVar:

NM_001258308.2(NOP2):c.475-291G>A

Gene: NOP2 (NOP2 nucleolar protein; minus strand). Cytogenetic location: 12p13.31.
Variant type: single nucleotide variant.
Coding change: c.475-291G>A on transcript NM_001258308.2 (MANE Select); 291 bases into the intron before coding-DNA position 475, G replaced by A.
Molecular consequence: intron variant. On other transcripts: synonymous variant (1).
Genome position (GRCh38, 1-based): chr12:6,564,237, C>T on the plus strand (G>A on the coding strand, the complement: NOP2 is on the minus strand). VCF-style: chr12-6564237-C-T. GRCh37 (hg19) VCF-style: chr12-6673403-C-T.
Other names: c.486G>A, p.Gln162= (NM_001258309.2); c.463-291G>A (NM_006170.4, NM_001258310.2, NM_001033714.3).
Identifiers: ClinVar variation 2642620 (VCV002642620.24), dbSNP rs1307010614, ClinGen allele CA478144885.

ClinVar aggregate classification (germline): Likely benign (1 of 4 stars; one submission).

Submission:

CeGaT Center for Human Genetics Tuebingen
Classification: Likely benign. Last evaluated: 2024-11-01. Review status: criteria provided, single submitter. Criteria: CeGaT Center For Human Genetics Tuebingen Variant Classification Criteria Version 2. Collection method: clinical testing. Allele origin: germline. Affected: yes. Observed: 8 variant alleles.
Comment: NOP2: PM2:Supporting, BP4, BP7